The following is an entry in ClinVar:

NM_005045.4(RELN):c.2722C>A (p.Leu908Ile)

Gene: RELN (reelin; minus strand). Cytogenetic location: 7q22.1.
Variant type: single nucleotide variant.
Coding change: c.2722C>A on transcript NM_005045.4 (MANE Select); coding-DNA position 2722, C replaced by A.
Protein change: p.Leu908Ile; replaces leucine 908 with isoleucine.
Molecular consequence: missense variant.
Genome position (GRCh38, 1-based): chr7:103,611,784, G>T on the plus strand (C>A on the coding strand, the complement: RELN is on the minus strand). VCF-style: chr7-103611784-G-T. GRCh37 (hg19) VCF-style: chr7-103252231-G-T.
Other names: c.2722C>A, p.Leu908Ile (NM_173054.3); short protein forms L908I.
Identifiers: ClinVar variation 851546 (VCV000851546.11), dbSNP rs767519770, ClinGen allele CA4421937.
Genomic context (GRCh38, chr7:103,611,784, plus strand): 5'-TCATATAGGATGCTCCTATCTGCATTGATTGTGTTTCCACATAGCGCATACTTGAGGCAA[G>T]TTTAGAATCTCCTGTAAAACTGAAAGAGACAGAGATGGAAATCAGAAAATTCTAAACACA-3'
Protein context (NP_005036.2, residues 898-918): WTLCFTGDSK[Leu908Ile]ASSMRYVETQ

ClinVar aggregate classification (germline): Uncertain significance. Review status: criteria provided, multiple submitters, no conflicts (2 of 4 stars). 3 submissions from 3 submitters: Uncertain significance (3). Last evaluated 2021-06-11.

Conditions:
Norman-Roberts syndrome (LIS2). Also called: Lissencephaly 2 (Norman-Roberts type). Identifiers: Orphanet 89844, MedGen C0796089, MONDO:0009760, OMIM 257320.
Familial temporal lobe epilepsy 7. Identifiers: Orphanet 101046, MedGen C4225327, MONDO:0014639, OMIM 616436.

Allele frequency attached by ClinVar (database versions not stated): TOPMed below 0.00001.
gnomAD v4.1: 5 of 1,613,486 alleles (0.00031%); highest among the groups gnomAD compares: African/African-American, 0.0013%; no homozygotes.

Submissions (3):

New York Genome Center
Classification: Uncertain significance for Familial temporal lobe epilepsy 7. Last evaluated: 2021-06-11. Review status: criteria provided, single submitter. Criteria: NYGC Assertion Criteria 2020. Collection method: clinical testing. Allele origin: inherited. Observed: 1 heterozygote. Study: CSER-NYCKidSeq.
Comment: The inherited c.2722C>A, p.Leu908Ile variant identified in the RELN gene has not been reported in the literature in individuals with RELN-related conditions. This variant has one heterozygous allele in gnomAD v3.1.1 suggesting it is not a common benign variant in the populations represented inthis database. In silico algorithms predict a conflicting interpretation of pathogenicity. The p.Leu908 residue is not within a mapped domain of RELN. Given the lack of compelling evidence for its pathogenicity, the inherited c.2722C>A, p.Leu908Ile variant identified in the RELN gene is reported as aVariant of Uncertain Significance.

GeneDx
Classification: Uncertain significance. Last evaluated: 2021-06-01. Review status: criteria provided, single submitter. Criteria: GeneDx Variant Classification Process June 2021. Collection method: clinical testing. Allele origin: germline. Affected: yes.
Comment: Not observed at significant frequency in large population cohorts (Lek et al., 2016); In silico analysis supports that this missense variant does not alter protein structure/function; Has not been previously published as pathogenic or benign to our knowledge; This variant is associated with the following publications: (PMID: 27535533)

Labcorp Genetics (formerly Invitae), Labcorp
Classification: Uncertain significance for Familial temporal lobe epilepsy 7; Norman-Roberts syndrome. Last evaluated: 2019-01-17. Review status: criteria provided, single submitter. Criteria: Invitae Variant Classification Sherloc (09022015). Collection method: clinical testing. Allele origin: germline.
Comment: This sequence change replaces leucine with isoleucine at codon 908 of the RELN protein (p.Leu908Ile). The leucine residue is moderately conserved and there is a small physicochemical difference between leucine and isoleucine. This variant has not been reported in the literature in individuals with RELN-related conditions. Algorithms developed to predict the effect of missense changes on protein structure and function (SIFT, PolyPhen-2, Align-GVGD) all suggest that this variant is likely to be tolerated, but these predictions have not been confirmed by published functional studies and their clinical significance is uncertain. In summary, the available evidence is currently insufficient to determine the role of this variant in disease. Therefore, it has been classified as a Variant of Uncertain Significance. This variant is present in population databases (rs767519770, ExAC 0.002%).